The following is an entry in ClinVar:

NM_006393.3(NEBL):c.2066A>G (p.Lys689Arg)

Genes: NEBL (nebulette; minus strand), LOC126860875 (MED14-independent group 3 enhancer GRCh37_chr10:21105746-21106945; plus strand). Cytogenetic location: 10p12.31.
Variant type: single nucleotide variant.
Coding change: c.2066A>G on transcript NM_006393.3 (MANE Select); coding-DNA position 2066, A replaced by G.
Protein change: p.Lys689Arg; replaces lysine 689 with arginine.
Molecular consequence: missense variant. On other transcripts: intron variant (9).
Genome position (GRCh38, 1-based): chr10:20,817,682, T>C on the plus strand (A>G on the coding strand, the complement: NEBL is on the minus strand). VCF-style: chr10-20817682-T-C. GRCh37 (hg19) VCF-style: chr10-21106611-T-C.
Other names: c.250-4742A>G (NM_001377326.1, NM_001377327.1, NM_001377328.1); c.358-4742A>G (NM_213569.2, NM_001173484.2, NM_001377322.1); c.301-4742A>G (NM_001377324.1); c.292-4742A>G (NM_001377325.1); c.310-4742A>G (NM_001377323.1); short protein forms K689R.
Identifiers: ClinVar variation 940255 (VCV000940255.10), dbSNP rs1838865198, ClinGen allele CA376094193.

ClinVar aggregate classification (germline): Uncertain significance (1 of 4 stars; one submission).

Conditions:
Primary dilated cardiomyopathy (DCM). Also called: Dilated Cardiomyopathy. Identifiers: Orphanet 217604, MedGen C0007193, MeSH D002311, MONDO:0005021, HP:0001644. Inheritance: Various modes of inheritance.

Submission:

Labcorp Genetics (formerly Invitae), Labcorp
Classification: Uncertain significance for Primary dilated cardiomyopathy. Last evaluated: 2022-03-18. Review status: criteria provided, single submitter. Criteria: Invitae Variant Classification Sherloc (09022015). Collection method: clinical testing. Allele origin: germline.
Comment: This variant is not present in population databases (gnomAD no frequency). This variant has not been reported in the literature in individuals affected with NEBL-related conditions. ClinVar contains an entry for this variant (Variation ID: 940255). Algorithms developed to predict the effect of missense changes on protein structure and function output the following: SIFT: "Tolerated"; PolyPhen-2: "Benign"; Align-GVGD: "Class C0". The arginine amino acid residue is found in multiple mammalian species, which suggests that this missense change does not adversely affect protein function. In summary, the available evidence is currently insufficient to determine the role of this variant in disease. Therefore, it has been classified as a Variant of Uncertain Significance. This sequence change replaces lysine, which is basic and polar, with arginine, which is basic and polar, at codon 689 of the NEBL protein (p.Lys689Arg).